The following is an entry in ClinVar:

NM_004517.4(ILK):c.428C>T (p.Pro143Leu)

Genes: ILK (integrin linked kinase; plus strand), TAF10 (TATA-box binding protein associated factor 10; minus strand). Cytogenetic location: 11p15.4.
Variant type: single nucleotide variant.
Coding change: c.428C>T on transcript NM_004517.4 (MANE Select); coding-DNA position 428, C replaced by T.
Protein change: p.Pro143Leu; replaces proline 143 with leucine.
Molecular consequence: missense variant. On other transcripts: 3 prime UTR variant (1), intron variant (1).
Genome position (GRCh38, 1-based): chr11:6,608,770, C>T. VCF-style: chr11-6608770-C-T. GRCh37 (hg19) VCF-style: chr11-6630000-C-T.
Other names: c.428C>T, p.Pro143Leu (NM_001014794.3, NM_001014795.3); c.26C>T, p.Pro9Leu (NM_001278442.2); c.*2152G>A (NM_006284.4); c.352-114C>T (NM_001278441.2); short protein forms P9L, P143L.
Identifiers: ClinVar variation 860039 (VCV000860039.10), dbSNP rs201763536, ClinGen allele CA5858042.
Genomic context (GRCh38, chr11:6,608,770, plus strand): 5'-GGGCCCTTGTCAGCATCTGTAACAAGTATGGAGAGATGCCTGTGGACAAAGCCAAGGCAC[C>T]CCTGAGAGAGCTTCTCCGAGGTCCATCTCCCCATCCCCTAGCTTGTGTCCTCTCGTCCCT-3'
Protein context (NP_004508.1, residues 133-153): GEMPVDKAKA[Pro143Leu]LRELLRERAE

ClinVar aggregate classification (germline): Uncertain significance (1 of 4 stars; one submission).

Conditions:
Primary familial hypertrophic cardiomyopathy (HCM). Identifiers: Orphanet 99739, MedGen C0949658, MeSH D024741, MONDO:0024573. Inheritance: Various modes of inheritance.

Allele frequency attached by ClinVar (database versions not stated): TOPMed below 0.00001; ExAC 0.00001; gnomAD 0.00001; gnomAD exomes 0.00001 and 0.00004; ESP Exome Variant Server 0.00008.

Submission:

Labcorp Genetics (formerly Invitae), Labcorp
Classification: Uncertain significance for Primary familial hypertrophic cardiomyopathy. Last evaluated: 2026-01-06. Review status: criteria provided, single submitter. Criteria: Invitae Variant Classification Sherloc (09022015). Collection method: clinical testing. Allele origin: germline.
Comment: This sequence change replaces proline, which is neutral and non-polar, with leucine, which is neutral and non-polar, at codon 143 of the ILK protein (p.Pro143Leu). This variant is present in population databases (rs201763536, gnomAD 0.003%). This variant has not been reported in the literature in individuals affected with ILK-related conditions. ClinVar contains an entry for this variant (Variation ID: 860039). An algorithm developed to predict the effect of missense changes on protein structure and function (PolyPhen-2) suggests that this variant is likely to be tolerated. In summary, the available evidence is currently insufficient to determine the role of this variant in disease. Therefore, it has been classified as a Variant of Uncertain Significance.